The following is an entry in ClinVar:

ClinVar aggregate classification (germline): Uncertain significance (1 of 4 stars; one submission).

Conditions:
Charcot-Marie-Tooth disease type 2. Also called: Charcot-Marie-Tooth type 2. Identifiers: Orphanet 64746, MedGen C0270914, MONDO:0018993.

gnomAD v4.1: 1 of 1,611,560 alleles (0.000062%); highest among the groups gnomAD compares: East Asian, 0.0022%; no homozygotes.

Submission:

Labcorp Genetics (formerly Invitae), Labcorp
Classification: Uncertain significance for Charcot-Marie-Tooth disease type 2. Last evaluated: 2021-04-08. Review status: criteria provided, single submitter. Criteria: Invitae Variant Classification Sherloc (09022015). Collection method: clinical testing. Allele origin: germline.
Comment: In summary, the available evidence is currently insufficient to determine the role of this variant in disease. Therefore, it has been classified as a Variant of Uncertain Significance. Algorithms developed to predict the effect of missense changes on protein structure and function (SIFT, PolyPhen-2, Align-GVGD) all suggest that this variant is likely to be tolerated, but these predictions have not been confirmed by published functional studies and their clinical significance is uncertain. This variant has not been reported in the literature in individuals with MED25-related conditions. This variant is not present in population databases (ExAC no frequency). This sequence change replaces proline with serine at codon 618 of the MED25 protein (p.Pro618Ser). The proline residue is moderately conserved and there is a moderate physicochemical difference between proline and serine.

NM_030973.4(MED25):c.1852C>T (p.Pro618Ser)

Gene: MED25 (mediator complex subunit 25; plus strand). Cytogenetic location: 19q13.33.
Variant type: single nucleotide variant.
Coding change: c.1852C>T on transcript NM_030973.4 (MANE Select); coding-DNA position 1852, C replaced by T.
Protein change: p.Pro618Ser; replaces proline 618 with serine.
Molecular consequence: missense variant.
Genome position (GRCh38, 1-based): chr19:49,835,832, C>T. VCF-style: chr19-49835832-C-T. GRCh37 (hg19) VCF-style: chr19-50339089-C-T.
Other names: c.1852C>T, p.Pro618Ser (NM_001378355.1); short protein forms P618S.
Identifiers: ClinVar variation 1440817 (VCV001440817.8), dbSNP rs777988894, ClinGen allele CA406920299.